The following is an entry in ClinVar:

NM_002860.4(ALDH18A1):c.559-208G>A

Gene: ALDH18A1 (aldehyde dehydrogenase 18 family member A1; minus strand). Cytogenetic location: 10q24.1.
Variant type: single nucleotide variant.
Coding change: c.559-208G>A on transcript NM_002860.4 (MANE Select); 208 bases into the intron before coding-DNA position 559, G replaced by A.
Molecular consequence: intron variant.
Genome position (GRCh38, 1-based): chr10:95,633,857, C>T on the plus strand (G>A on the coding strand, the complement: ALDH18A1 is on the minus strand). VCF-style: chr10-95633857-C-T. GRCh37 (hg19) VCF-style: chr10-97393614-C-T.
Other names: c.-78-208G>A (NM_001323419.2); c.226-208G>A (NM_001323412.2, NM_001323418.2, NM_001323416.2); c.454-208G>A (NM_001323417.2); c.559-208G>A (NM_001017423.2, NM_001323415.2, NM_001323413.2 and 1 more transcripts).
Identifiers: ClinVar variation 679805 (VCV000679805.1), dbSNP rs182106689, ClinGen allele CA211801265.
Genomic context (GRCh38, chr10:95,633,857, plus strand): 5'-GGGTGCTATCCAATTCTTTTTTTTTTTTTTTTTTTTTTGAGACAGGGTCTCATTCTGTCG[C>T]TCAGGCCGTAATGCAGTGGCATAATGTCTGCTCACTGCAACCTCCACCTCCTGGGTTCAA-3'

ClinVar aggregate classification (germline): Likely benign (1 of 4 stars; one submission).

Allele frequency attached by ClinVar (database versions not stated): 1000 Genomes Project 30x 0.00344; 1000 Genomes Project 0.00359; TOPMed 0.00412; gnomAD 0.00444 and 0.00471.
gnomAD v4.1: 649 of 136,632 alleles (0.47%); highest among the groups gnomAD compares: Middle Eastern, 3.2%; 2 homozygotes.

Submission:

GeneDx
Classification: Likely benign. Last evaluated: 2018-06-16. Review status: criteria provided, single submitter. Criteria: GeneDx Variant Classification (06012015). Collection method: clinical testing. Allele origin: germline. Affected: yes.
Comment: This variant is considered likely benign or benign based on one or more of the following criteria: it is a conservative change, it occurs at a poorly conserved position in the protein, it is predicted to be benign by multiple in silico algorithms, and/or has population frequency not consistent with disease.